The following is an entry in ClinVar:

NM_003238.6(TGFB2):c.157C>T (p.Pro53Ser)

Gene: TGFB2 (transforming growth factor beta 2; plus strand). Cytogenetic location: 1q41.
Variant type: single nucleotide variant.
Coding change: c.157C>T on transcript NM_003238.6 (MANE Select); coding-DNA position 157, C replaced by T.
Protein change: p.Pro53Ser; replaces proline 53 with serine.
Molecular consequence: missense variant. On other transcripts: non-coding transcript variant (2).
Genome position (GRCh38, 1-based): chr1:218,346,858, C>T. VCF-style: chr1-218346858-C-T. GRCh37 (hg19) VCF-style: chr1-218520200-C-T.
Other names: c.157C>T, p.Pro53Ser (NM_001135599.4); short protein forms P53S.
Identifiers: ClinVar variation 5030810 (VCV005030810.1).
Genomic context (GRCh38, chr1:218,346,858, plus strand): 5'-ATGCGCAAGAGGATCGAGGCGATCCGCGGGCAGATCCTGAGCAAGCTGAAGCTCACCAGT[C>T]CCCCAGAAGACTATCCTGAGCCCGAGGAAGTCCCCCCGGAGGTGATTTCCATCTACAACA-3'
Protein context (NP_003229.1, residues 43-63): QILSKLKLTS[Pro53Ser]PEDYPEPEEV

ClinVar aggregate classification (germline): Uncertain significance (1 of 4 stars; one submission).

Conditions:
Familial thoracic aortic aneurysm and aortic dissection (TAAD). Also called: Thoracic aortic aneurysms and dissections. Identifiers: Orphanet 91387, MedGen C4707243, MONDO:0019625.

gnomAD v4.1: 1 of 1,614,138 alleles (0.000062%); highest among the groups gnomAD compares: Non-Finnish European, 0.000085%; no homozygotes.

Submission:

Ambry Genetics
Classification: Uncertain significance for Familial thoracic aortic aneurysm and aortic dissection. Last evaluated: 2026-06-25. Review status: criteria provided, single submitter. Criteria: Ambry Variant Classification Scheme 2023. Collection method: clinical testing. Allele origin: germline.
Comment: The p.P53S variant (also known as c.157C>T), located in coding exon 1 of the TGFB2 gene, results from a C to T substitution at nucleotide position 157. The proline at codon 53 is replaced by serine, an amino acid with similar properties. This amino acid position is conserved. In addition, the in silico prediction for this alteration is inconclusive. Based on the available evidence, the clinical significance of this variant remains unclear.